The following is an entry in ClinVar:

ClinVar aggregate classification (germline): Uncertain significance. Review status: criteria provided, multiple submitters, no conflicts (2 of 4 stars). 4 submissions from 4 submitters: Uncertain significance (4). Last evaluated 2025-08-30.

Conditions:
Mitochondrial complex IV deficiency, nuclear type 3. Also called: Mitochondrial complex 4 deficiency, nuclear type 3. Identifiers: MedGen C5436682, MONDO:0033635, OMIM 619046.
Inborn genetic diseases. Identifiers: MedGen C0950123, MeSH D030342.
Leigh syndrome (NULS). Also called: Subacute necrotizing encephalopathy; Necrotizing encephalopathy infantile subacute of Leigh; Leigh's syndrome; Leigh Disease; LEIGH SYNDROME, NUCLEAR; Leigh's necrotizing encephalopathy. Identifiers: Orphanet 506, MedGen C2931891, MONDO:0009723, OMIM 256000.

Allele frequency attached by ClinVar (database versions not stated): TOPMed 0.00002; gnomAD 0.00003 and 0.00004; ExAC 0.00004; gnomAD exomes 0.00006; ESP Exome Variant Server 0.00008.
gnomAD v4.1: 91 of 1,614,088 alleles (0.0056%); highest among the groups gnomAD compares: Non-Finnish European, 0.007%; no homozygotes.

Submissions (5):

Ambry Genetics
Classification: Uncertain significance for Inborn genetic diseases. Last evaluated: 2025-08-30. Review status: criteria provided, single submitter. Criteria: Ambry Variant Classification Scheme 2023. Collection method: clinical testing. Allele origin: germline.

Labcorp Genetics (formerly Invitae), Labcorp
Classification: Uncertain significance. Last evaluated: 2022-05-13. Review status: criteria provided, single submitter. Criteria: Invitae Variant Classification Sherloc (09022015). Collection method: clinical testing. Allele origin: germline.
Comment: In summary, the available evidence is currently insufficient to determine the role of this variant in disease. Therefore, it has been classified as a Variant of Uncertain Significance. Algorithms developed to predict the effect of missense changes on protein structure and function (SIFT, PolyPhen-2, Align-GVGD) all suggest that this variant is likely to be tolerated. ClinVar contains an entry for this variant (Variation ID: 1030367). This variant has not been reported in the literature in individuals affected with COX10-related conditions. This variant is present in population databases (rs141549844, gnomAD 0.008%). This sequence change replaces aspartic acid, which is acidic and polar, with tyrosine, which is neutral and polar, at codon 132 of the COX10 protein (p.Asp132Tyr).

Fulgent Genetics
Classification: Uncertain significance for Mitochondrial complex IV deficiency, nuclear type 3. Last evaluated: 2022-04-23. Review status: criteria provided, single submitter. Criteria: ACMG Guidelines, 2015. Collection method: clinical testing. Allele origin: unknown.

Baylor Genetics
Classification: Uncertain significance for Leigh syndrome. Last evaluated: 2019-06-14. Review status: criteria provided, single submitter. Criteria: ACMG Guidelines, 2015. Collection method: clinical testing. Allele origin: unknown. Affected: yes.
Comment: This variant was determined to be of uncertain significance according to ACMG Guidelines, 2015 [PMID:25741868].

Johnston Lab, North Central College
No classification provided (evidence only). Review status: no classification provided. Collection method: in vitro. Allele origin: not applicable. Functional consequence: loss_of_function_variant. Not counted in ClinVar's aggregate classification.
ClinVar note: "not provided" was previously submitted as the classification for the variant. However, the classification appeared to be based only on an observation of functional data so it was converted to no classification on 2025-07-30.

NM_001303.4(COX10):c.394G>T (p.Asp132Tyr)

Gene: COX10 (cytochrome c oxidase assembly factor heme A:farnesyltransferase COX10; plus strand). Cytogenetic location: 17p12.
Variant type: single nucleotide variant.
Coding change: c.394G>T on transcript NM_001303.4 (MANE Select); coding-DNA position 394, G replaced by T.
Protein change: p.Asp132Tyr; replaces aspartic acid 132 with tyrosine.
Molecular consequence: missense variant.
Genome position (GRCh38, 1-based): chr17:14,076,951, G>T. VCF-style: chr17-14076951-G-T. GRCh37 (hg19) VCF-style: chr17-13980268-G-T.
Other names: short protein forms D132Y.
Identifiers: ClinVar variation 1030367 (VCV001030367.12), dbSNP rs141549844, ClinGen allele CA8402304.